The following is an entry in ClinVar:

NM_001130021.3(ATP6V0A1):c.1512A>T (p.Pro504=)

Gene: ATP6V0A1 (ATPase H+ transporting V0 subunit a1; plus strand). Cytogenetic location: 17q21.2.
Variant type: single nucleotide variant.
Coding change: c.1512A>T on transcript NM_001130021.3 (MANE Select); coding-DNA position 1512, A replaced by T.
Protein change: p.Pro504=; no amino-acid change (proline 504 retained).
Molecular consequence: synonymous variant. On other transcripts: intron variant (1).
Genome position (GRCh38, 1-based): chr17:42,495,668, A>T. VCF-style: chr17-42495668-A-T. GRCh37 (hg19) VCF-style: chr17-40647686-A-T.
Other names: c.1533A>T, p.Pro511= (NM_001130020.3, NM_001378522.1, NM_001378523.1 and 3 more transcripts); c.1635A>T, p.Pro545= (NM_001378530.1, NM_001378533.1, NM_001378551.1 and 1 more transcripts); c.1656A>T, p.Pro552= (NM_001378531.1, NM_001378532.1); c.1512A>T, p.Pro504= (NM_001378535.1, NM_001378537.1, NM_001378542.1 and 3 more transcripts); c.1404A>T, p.Pro468= (NM_001378536.1, NM_001378550.1, NM_001378556.1); c.1383A>T, p.Pro461= (NM_001378538.1, NM_001378540.1); c.1353A>T, p.Pro451= (NM_001378543.1); c.1302A>T, p.Pro434= (NM_001378545.1, NM_001378554.1); and 3 more.
Identifiers: ClinVar variation 4873247 (VCV004873247.2).

ClinVar aggregate classification (germline): Likely benign (1 of 4 stars; one submission).

gnomAD v4.1: 1 of 1,614,128 alleles (0.000062%); highest among the groups gnomAD compares: Admixed American, 0.0017%; no homozygotes.

Submission:

CeGaT Center for Human Genetics Tuebingen
Classification: Likely benign. Last evaluated: 2026-05-01. Review status: criteria provided, single submitter. Criteria: CeGaT Center For Human Genetics Tuebingen Variant Classification Criteria Version 2. Collection method: clinical testing. Allele origin: germline. Affected: yes. Observed: 1 variant allele.
Comment: ATP6V0A1: BP4, BP7